The following is an entry in ClinVar:

NM_007294.4(BRCA1):c.794C>T (p.Ser265Phe)

Gene: BRCA1 (BRCA1 DNA repair associated; minus strand). Cytogenetic location: 17q21.31.
Variant type: single nucleotide variant.
Coding change: c.794C>T on transcript NM_007294.4 (MANE Select); coding-DNA position 794, C replaced by T.
Protein change: p.Ser265Phe; replaces serine 265 with phenylalanine.
Molecular consequence: missense variant. On other transcripts: 5 prime UTR variant (2), intron variant (137).
Genome position (GRCh38, 1-based): chr17:43,094,737, G>A on the plus strand (C>T on the coding strand, the complement: BRCA1 is on the minus strand). VCF-style: chr17-43094737-G-A. GRCh37 (hg19) VCF-style: chr17-41246754-G-A.
Other names: c.581C>T, p.Ser194Phe (NM_001407571.1, NM_001407915.1, NM_001407916.1 and 9 more transcripts); c.794C>T, p.Ser265Phe (NM_001407581.1, NM_001407582.1, NM_001407583.1 and 30 more transcripts); c.791C>T, p.Ser264Phe (NM_001407587.1, NM_001407590.1, NM_001407591.1 and 22 more transcripts); c.584C>T, p.Ser195Phe (NM_001407908.1, NM_001407909.1, NM_001407910.1 and 13 more transcripts); c.671C>T, p.Ser224Phe (NM_001407919.1, NM_001407937.1, NM_001407938.1 and 19 more transcripts); c.530C>T, p.Ser177Phe (NM_001407920.1, NM_001407933.1, NM_001407935.1 and 9 more transcripts); c.527C>T, p.Ser176Phe (NM_001407931.1, NM_001407932.1, NM_001407934.1 and 2 more transcripts); c.461C>T, p.Ser154Phe (NM_001407950.1, NM_001407951.1, NM_001407952.1 and 6 more transcripts); and 40 more; short protein forms S138F, S176F, S177F, S194F, S195F, S262F, S137F, S153F.
Identifiers: ClinVar variation 3634703 (VCV003634703.3).

ClinVar aggregate classification (germline): Uncertain significance. Review status: criteria provided, multiple submitters, no conflicts (2 of 4 stars). 2 submissions from 2 submitters: Uncertain significance (2). Last evaluated 2025-12-18.

Conditions:
Hereditary breast ovarian cancer syndrome. Also called: BRCA1- and BRCA2-Associated Hereditary Breast and Ovarian Cancer; Hereditary breast and ovarian cancer; Breast and ovarian cancer; Hereditary breast and/or ovarian cancer syndrome; Hereditary breast and ovarian cancer syndrome (HBOC); Hereditary breast and ovarian cancer syndrome. Identifiers: Orphanet 145, MedGen C0677776, MeSH D061325, MONDO:0003582. Disease mechanism: loss of function.
Hereditary cancer-predisposing syndrome. Also called: Hereditary Cancer Syndrome; Neoplastic Syndromes, Hereditary; Tumor predisposition; Hereditary neoplastic syndrome. Identifiers: Orphanet 140162, MedGen C0027672, MeSH D009386, MONDO:0015356.

Submissions (2):

Ambry Genetics
Classification: Uncertain significance for Hereditary cancer-predisposing syndrome. Last evaluated: 2025-12-18. Review status: criteria provided, single submitter. Criteria: Ambry Variant Classification Scheme 2023. Collection method: clinical testing. Allele origin: germline.
Comment: The p.S265F variant (also known as c.794C>T), located in coding exon 9 of the BRCA1 gene, results from a C to T substitution at nucleotide position 794. The serine at codon 265 is replaced by phenylalanine, an amino acid with highly dissimilar properties. This amino acid position is well conserved in available vertebrate species. In addition, the in silico prediction for this alteration is inconclusive. Based on the available evidence, the clinical significance of this variant remains unclear.

Labcorp Genetics (formerly Invitae), Labcorp
Classification: Uncertain significance for Hereditary breast ovarian cancer syndrome. Last evaluated: 2024-10-31. Review status: criteria provided, single submitter. Criteria: Invitae Variant Classification Sherloc (09022015). Collection method: clinical testing. Allele origin: germline.
Comment: This sequence change replaces serine, which is neutral and polar, with phenylalanine, which is neutral and non-polar, at codon 265 of the BRCA1 protein (p.Ser265Phe). This variant is not present in population databases (gnomAD no frequency). This variant has not been reported in the literature in individuals affected with BRCA1-related conditions. Invitae Evidence Modeling of protein sequence and biophysical properties (such as structural, functional, and spatial information, amino acid conservation, physicochemical variation, residue mobility, and thermodynamic stability) indicates that this missense variant is not expected to disrupt BRCA1 protein function with a negative predictive value of 80%. In summary, the available evidence is currently insufficient to determine the role of this variant in disease. Therefore, it has been classified as a Variant of Uncertain Significance.